The following is an entry in ClinVar:

ClinVar aggregate classification (germline): Benign (1 of 4 stars; one submission).

Conditions:
Woodhouse-Sakati syndrome. Also called: Hypogonadism, Alopecia, Diabetes Mellitus, Mental Retardation, and Extrapyramidal Syndrome; Hypogonadism, diabetes mellitus, alopecia, mental retardation and electrocardiographic abnormalities; EXTRAPYRAMIDAL DISORDER, PROGRESSIVE, WITH PRIMARY HYPOGONADISM, MENTAL RETARDATION, AND ALOPECIA. Identifiers: Orphanet 3464, MedGen C0342286, MONDO:0009419, OMIM 241080.

Allele frequency attached by ClinVar (database versions not stated): ExAC 0.00186; gnomAD 0.01636 and 0.01571; TOPMed 0.01818; gnomAD exomes 0.00702 and 0.00394; 1000 Genomes Project 0.02476; 1000 Genomes Project 30x 0.02498.
gnomAD v4.1: 3,569 of 454,088 alleles (0.79%); highest among the groups gnomAD compares: African/African-American, 4.9%; 74 homozygotes.

Submission:

Illumina Laboratory Services, Illumina
Classification: Benign for Woodhouse-Sakati syndrome. Last evaluated: 2018-01-13. Review status: criteria provided, single submitter. Criteria: ICSL Variant Classification Criteria 13 December 2019. Collection method: clinical testing. Allele origin: germline.
Comment: This variant was observed in the ICSL laboratory as part of a predisposition screen in an ostensibly healthy population. It had not been previously curated by ICSL or reported in the Human Gene Mutation Database (HGMD: prior to June 1st, 2018), and was therefore a candidate for classification through an automated scoring system. Utilizing variant allele frequency, disease prevalence and penetrance estimates, and inheritance mode, an automated score was calculated to assess if this variant is too frequent to cause the disease. Based on the score and internal cut-off values, a variant classified as benign is not then subjected to further curation. The score for this variant resulted in a classification of benign for this disease.

NM_025000.4(DCAF17):c.*2183C>G

Gene: DCAF17 (DDB1 and CUL4 associated factor 17; plus strand). Cytogenetic location: 2q31.1.
Variant type: single nucleotide variant.
Coding change: c.*2183C>G on transcript NM_025000.4 (MANE Select); 2183 bases downstream of the stop codon, C replaced by G.
Molecular consequence: 3 prime UTR variant. On other transcripts: non-coding transcript variant (1).
Genome position (GRCh38, 1-based): chr2:171,483,297, C>G. VCF-style: chr2-171483297-C-G. GRCh37 (hg19) VCF-style: chr2-172339807-C-G.
Other names: c.*2183C>G (NM_001164821.2).
Identifiers: ClinVar variation 332293 (VCV000332293.5), dbSNP rs73976170, ClinGen allele CA1965109.